The following is an entry in ClinVar:

ClinVar aggregate classification (germline): Uncertain significance (1 of 4 stars; one submission).

Submission:

Labcorp Genetics (formerly Invitae), Labcorp
Classification: Uncertain significance. Last evaluated: 2023-10-20. Review status: criteria provided, single submitter. Criteria: Invitae Variant Classification Sherloc (09022015). Collection method: clinical testing. Allele origin: germline.
Comment: This sequence change replaces glutamic acid, which is acidic and polar, with lysine, which is basic and polar, at codon 460 of the ACTN1 protein (p.Glu460Lys). This variant is not present in population databases (gnomAD no frequency). This variant has not been reported in the literature in individuals affected with ACTN1-related conditions. Advanced modeling of protein sequence and biophysical properties (such as structural, functional, and spatial information, amino acid conservation, physicochemical variation, residue mobility, and thermodynamic stability) performed at Invitae indicates that this missense variant is expected to disrupt ACTN1 protein function. In summary, the available evidence is currently insufficient to determine the role of this variant in disease. Therefore, it has been classified as a Variant of Uncertain Significance.

NM_001130004.2(ACTN1):c.1378G>A (p.Glu460Lys)

Gene: ACTN1 (actinin alpha 1; minus strand). Cytogenetic location: 14q24.1.
Variant type: single nucleotide variant.
Coding change: c.1378G>A on transcript NM_001130004.2 (MANE Select); coding-DNA position 1378, G replaced by A.
Protein change: p.Glu460Lys; replaces glutamic acid 460 with lysine.
Molecular consequence: missense variant.
Genome position (GRCh38, 1-based): chr14:68,885,432, C>T on the plus strand (G>A on the coding strand, the complement: ACTN1 is on the minus strand). VCF-style: chr14-68885432-C-T. GRCh37 (hg19) VCF-style: chr14-69352149-C-T.
Other names: c.1183G>A, p.Glu395Lys (NM_001411036.1, NM_001424026.1, NM_001424028.1); c.1378G>A, p.Glu460Lys (NM_001424012.1, NM_001424014.1, NM_001424019.1 and 7 more transcripts); c.1504G>A, p.Glu502Lys (NM_001424013.1); c.1465G>A, p.Glu489Lys (NM_001424015.1); c.1402G>A, p.Glu468Lys (NM_001424016.1, NM_001411035.1); c.1375G>A, p.Glu459Lys (NM_001424017.1); c.1339G>A, p.Glu447Lys (NM_001424018.1); c.1315G>A, p.Glu439Lys (NM_001424020.1, NM_001424022.1); and 2 more; short protein forms E437K, E439K, E489K, E395K, E447K, E460K, E502K, E185K.
Identifiers: ClinVar variation 2769213 (VCV002769213.3), dbSNP rs2503288279, ClinGen allele CA390185541.
Genomic context (GRCh38, chr14:68,885,432, plus strand): 5'-AAAGCCCAGCCTCAGCCCCTCACCACAGGGTAGGGGTGTCTGGGGCCACCTACTTGAGCT[C>T]CTGTGCGATGGCGGCAATCTGCTCCACACGGTCCTGGTGGGCAGCCAGGTCACTCTCGAA-3'
Protein context (NP_001123476.1, residues 450-470): RVEQIAAIAQ[Glu460Lys]LNELDYYDSP